The following is an entry in ClinVar:

NM_052947.4(ALPK2):c.1436T>G (p.Phe479Cys)

Gene: ALPK2 (alpha kinase 2; minus strand). Cytogenetic location: 18q21.31.
Variant type: single nucleotide variant.
Coding change: c.1436T>G on transcript NM_052947.4 (MANE Select); coding-DNA position 1436, T replaced by G.
Protein change: p.Phe479Cys; replaces phenylalanine 479 with cysteine.
Molecular consequence: missense variant.
Genome position (GRCh38, 1-based): chr18:58,579,340, A>C on the plus strand (T>G on the coding strand, the complement: ALPK2 is on the minus strand). VCF-style: chr18-58579340-A-C. GRCh37 (hg19) VCF-style: chr18-56246572-A-C.
Other names: short protein forms F479C.
Identifiers: ClinVar variation 1772628 (VCV001772628.2), dbSNP rs1180327895, ClinGen allele CA402563028.

ClinVar aggregate classification (germline): Uncertain significance (1 of 4 stars; one submission).

Allele frequency attached by ClinVar (database versions not stated): gnomAD exomes below 0.00001; TOPMed 0.00001.
gnomAD v4.1: 1 of 1,614,090 alleles (0.000062%); highest among the groups gnomAD compares: Admixed American, 0.0017%; no homozygotes.

Submission:

Ambry Genetics
Classification: Uncertain significance. Last evaluated: 2023-12-01. Review status: criteria provided, single submitter. Criteria: Ambry Variant Classification Scheme 2023. Collection method: clinical testing. Allele origin: germline.
Comment: The p.F479C variant (also known as c.1436T>G), located in coding exon 3 of the ALPK2 gene, results from a T to G substitution at nucleotide position 1436. The phenylalanine at codon 479 is replaced by cysteine, an amino acid with highly dissimilar properties. This amino acid position is conserved. In addition, this alteration is predicted to be tolerated by in silico analysis. Since supporting evidence is limited at this time, the clinical significance of this alteration remains unclear.